The following is an entry in ClinVar:

ClinVar aggregate classification (germline): Uncertain significance. Review status: criteria provided, multiple submitters, no conflicts (2 of 4 stars). 2 submissions from 2 submitters: Uncertain significance (2). Last evaluated 2025-10-27.

Conditions:
Primary ciliary dyskinesia. Also called: Ciliary dyskinesia. Identifiers: Orphanet 244, MedGen C0008780, MONDO:0016575, HP:0012265.

Allele frequency attached by ClinVar (database versions not stated): gnomAD 0.00009; ESP Exome Variant Server 0.00023; TOPMed 0.00009.
gnomAD v4.1: 171 of 1,603,612 alleles (0.011%); highest among the groups gnomAD compares: Middle Eastern, 0.033%; 1 homozygote.

Submissions (2):

Labcorp Genetics (formerly Invitae), Labcorp
Classification: Uncertain significance for Primary ciliary dyskinesia. Last evaluated: 2025-10-27. Review status: criteria provided, single submitter. Criteria: Invitae Variant Classification Sherloc (09022015). Collection method: clinical testing. Allele origin: germline.
Comment: This sequence change replaces proline, which is neutral and non-polar, with alanine, which is neutral and non-polar, at codon 1191 of the DNAH8 protein (p.Pro1191Ala). This variant is present in population databases (rs150925022, gnomAD 0.03%). This variant has not been reported in the literature in individuals affected with DNAH8-related conditions. ClinVar contains an entry for this variant (Variation ID: 454570). Experimental studies and prediction algorithms are not available or were not evaluated, and the functional significance of this variant is currently unknown. In summary, the available evidence is currently insufficient to determine the role of this variant in disease. Therefore, it has been classified as a Variant of Uncertain Significance.

Molecular Genetics McLendon Clinical Laboratories, University of North Carolina at Chapel Hill
Classification: Uncertain significance for Primary ciliary dyskinesia. Last evaluated: 2022-12-01. Review status: criteria provided, single submitter. Criteria: ACMG Guidelines, 2015. Collection method: clinical testing. Allele origin: germline.

NM_001206927.2(DNAH8):c.3571C>G (p.Pro1191Ala)

Gene: DNAH8 (dynein axonemal heavy chain 8; plus strand). Cytogenetic location: 6p21.2.
Variant type: single nucleotide variant.
Coding change: c.3571C>G on transcript NM_001206927.2 (MANE Select); coding-DNA position 3571, C replaced by G.
Protein change: p.Pro1191Ala; replaces proline 1191 with alanine.
Molecular consequence: missense variant.
Genome position (GRCh38, 1-based): chr6:38,822,885, C>G. VCF-style: chr6-38822885-C-G. GRCh37 (hg19) VCF-style: chr6-38790661-C-G.
Other names: c.2920C>G, p.Pro974Ala (NM_001371.4); short protein forms P1191A, P974A.
Identifiers: ClinVar variation 454570 (VCV000454570.8), dbSNP rs150925022, ClinGen allele CA3788883.
Genomic context (GRCh38, chr6:38,822,885, plus strand): 5'-CATCTGTTTTCAGGATCTTTTGAAGAAGCTATTCCTGCGAGGAAGCTGAAGAATTTTTAC[C>G]CGGGGGTAGCGGAGCACAAGGATATTTCTAAGTTGGTCCTGCTCCTTTCTTCCTCTGTAA-3'
Protein context (NP_001193856.1, residues 1181-1201): IPARKLKNFY[Pro1191Ala]GVAEHKDISK